The following is an entry in ClinVar:

ClinVar aggregate classification (germline): Uncertain significance (1 of 4 stars; one submission).

Conditions:
Familial cancer of breast. Also called: Hereditary breast cancer; BREAST CANCER, FAMILIAL; hereditary breast carcinoma. Identifiers: Orphanet 227535, MedGen C0346153, MONDO:0016419, OMIM 114480. Disease mechanism: loss of function.

Submission:

Labcorp Genetics (formerly Invitae), Labcorp
Classification: Uncertain significance for Familial cancer of breast. Last evaluated: 2024-10-21. Review status: criteria provided, single submitter. Criteria: Invitae Variant Classification Sherloc (09022015). Collection method: clinical testing. Allele origin: germline.
Comment: This sequence change replaces serine, which is neutral and polar, with arginine, which is basic and polar, at codon 660 of the BARD1 protein (p.Ser660Arg). This variant is not present in population databases (gnomAD no frequency). This variant has not been reported in the literature in individuals affected with BARD1-related conditions. An algorithm developed to predict the effect of missense changes on protein structure and function (PolyPhen-2) suggests that this variant is likely to be disruptive. Experimental studies have shown that this missense change affects BARD1 function (PMID: 30925164). In summary, the available evidence is currently insufficient to determine the role of this variant in disease. Therefore, it has been classified as a Variant of Uncertain Significance.

Literature cited by the submitters: PubMed 30925164.

NM_000465.4(BARD1):c.1980C>G (p.Ser660Arg)

Gene: BARD1 (BRCA1 associated RING domain 1; minus strand). Cytogenetic location: 2q35.
Variant type: single nucleotide variant.
Coding change: c.1980C>G on transcript NM_000465.4 (MANE Select); coding-DNA position 1980, C replaced by G.
Protein change: p.Ser660Arg; replaces serine 660 with arginine.
Molecular consequence: missense variant. On other transcripts: non-coding transcript variant (3).
Genome position (GRCh38, 1-based): chr2:214,730,432, G>C on the plus strand (C>G on the coding strand, the complement: BARD1 is on the minus strand). VCF-style: chr2-214730432-G-C. GRCh37 (hg19) VCF-style: chr2-215595156-G-C.
Other names: c.1923C>G, p.Ser641Arg (NM_001282543.2); c.627C>G, p.Ser209Arg (NM_001282545.2); c.570C>G, p.Ser190Arg (NM_001282548.2); c.441C>G, p.Ser147Arg (NM_001282549.2); short protein forms S147R, S641R, S660R, S190R, S209R.
Identifiers: ClinVar variation 3723345 (VCV003723345.2).
Genomic context (GRCh38, chr2:214,730,432, plus strand): 5'-ATAATAAGAACAATGAAAGTTGTATTAAAAGAAAAATACCAGCTGTTCTCTGTTGAGCCT[G>C]CTTCTGCGTGGACCTTCAGGAATTTCATACTTTTCTTCCTGTTCACATACTTTTCTTCGT-3'
Protein context (NP_000456.2, residues 650-670): KYEIPEGPRR[Ser660Arg]RLNREQLLPK